The following is an entry in ClinVar:

ClinVar aggregate classification (germline): Uncertain significance (1 of 4 stars; one submission).

Conditions:
Hereditary cancer-predisposing syndrome. Also called: Neoplastic Syndromes, Hereditary; Tumor predisposition; Hereditary neoplastic syndrome; Hereditary Cancer Syndrome. Identifiers: Orphanet 140162, MedGen C0027672, MeSH D009386, MONDO:0015356.
Cardiovascular phenotype. Identifiers: MedGen CN230736.

Submission:

Ambry Genetics
Classification: Uncertain significance for Cardiovascular phenotype; Hereditary cancer-predisposing syndrome. Last evaluated: 2023-12-18. Review status: criteria provided, single submitter. Criteria: Ambry Variant Classification Scheme 2023. Collection method: clinical testing. Allele origin: germline.
Comment: The p.E517A variant (also known as c.1550A>C), located in coding exon 14 of the LZTR1 gene, results from an A to C substitution at nucleotide position 1550. The glutamic acid at codon 517 is replaced by alanine, an amino acid with dissimilar properties. This amino acid position is conserved. In addition, the in silico prediction for this alteration is inconclusive. Since supporting evidence is limited at this time, the clinical significance of this alteration remains unclear.

NM_006767.4(LZTR1):c.1550A>C (p.Glu517Ala)

Gene: LZTR1 (leucine zipper like post translational regulator 1; plus strand). Cytogenetic location: 22q11.21.
Variant type: single nucleotide variant.
Coding change: c.1550A>C on transcript NM_006767.4 (MANE Select); coding-DNA position 1550, A replaced by C.
Protein change: p.Glu517Ala; replaces glutamic acid 517 with alanine.
Molecular consequence: missense variant.
Genome position (GRCh38, 1-based): chr22:20,994,204, A>C. VCF-style: chr22-20994204-A-C. GRCh37 (hg19) VCF-style: chr22-21348493-A-C.
Other names: short protein forms E517A.
Identifiers: ClinVar variation 3238095 (VCV003238095.1), dbSNP rs2518620993.
Genomic context (GRCh38, chr22:20,994,204, plus strand): 5'-CCGGCGTGGCTGCTGGTGGGGCCCGGCCGCCCCTGCTGCACGTGGCCATCCGGGAGGCCG[A>C]GGCCCGGCCCTTCGAGGTGCTCATGCAGTTCCTCTACACCGACAAGATCAAATACCCACG-3'
Protein context (NP_006758.2, residues 507-527): PLLHVAIREA[Glu517Ala]ARPFEVLMQF